The following is an entry in ClinVar:

NM_006059.4(LAMC3):c.854_855inv (p.Ala285Val)

Gene: LAMC3 (laminin subunit gamma 3; plus strand). Cytogenetic location: 9q34.12.
Variant type: Inversion.
Coding change: c.854_855inv on transcript NM_006059.4 (MANE Select).
Protein change: p.Ala285Val; replaces alanine 285 with valine.
Molecular consequence: missense variant.
Genome position: GRCh38 VCF-style: chr9-131036210-CA-TG. GRCh37 (hg19) VCF-style: chr9-133911597-CA-TG.
Other names: c.854_855delinsTG (NM_006059.4); short protein forms A285V.
Identifiers: ClinVar variation 1398810 (VCV001398810.8), ClinGen allele CA2573144080.

ClinVar aggregate classification (germline): Uncertain significance. Review status: criteria provided, multiple submitters, no conflicts (2 of 4 stars). 2 submissions from 2 submitters: Uncertain significance (2). Last evaluated 2026-01-13.

Submissions (2):

Women's Health and Genetics/Laboratory Corporation of America, LabCorp
Classification: Uncertain significance. Last evaluated: 2026-01-13. Review status: criteria provided, single submitter. Criteria: LabCorp Variant Classification Summary - May 2015. Collection method: clinical testing. Allele origin: germline.
Comment: Variant summary: LAMC3 c.854_855delinsTG (p.Ala285Val) results in a non-conservative amino acid change in the encoded protein sequence. Algorithms developed to predict the effect of missense changes on protein structure and function are either unavailable or do not agree on the potential impact of this missense change. The variant was absent in 245926 control chromosomes. The available data on variant occurrences in the general population are insufficient to allow any conclusion about variant significance. To our knowledge, no occurrence of c.854_855delinsTG in individuals affected with LAMC3-related conditions and no experimental evidence demonstrating its impact on protein function have been reported. ClinVar contains an entry for this variant (Variation ID: 1398810). Based on the evidence outlined above, the variant was classified as uncertain significance.

Labcorp Genetics (formerly Invitae), Labcorp
Classification: Uncertain significance. Last evaluated: 2024-09-30. Review status: criteria provided, single submitter. Criteria: Invitae Variant Classification Sherloc (09022015). Collection method: clinical testing. Allele origin: germline.
Comment: This sequence change replaces alanine, which is neutral and non-polar, with valine, which is neutral and non-polar, at codon 285 of the LAMC3 protein (p.Ala285Val). The frequency data for this variant in the population databases is considered unreliable, as metrics indicate poor data quality at this position in the gnomAD database. This variant has not been reported in the literature in individuals affected with LAMC3-related conditions. ClinVar contains an entry for this variant (Variation ID: 1398810). An algorithm developed to predict the effect of missense changes on protein structure and function (PolyPhen-2) suggests that this variant is likely to be tolerated. In summary, the available evidence is currently insufficient to determine the role of this variant in disease. Therefore, it has been classified as a Variant of Uncertain Significance.